The following is an entry in ClinVar:

ClinVar aggregate classification (germline): Uncertain significance (1 of 4 stars; one submission).

Submission:

Ambry Genetics
Classification: Uncertain significance. Last evaluated: 2022-05-11. Review status: criteria provided, single submitter. Criteria: Ambry Variant Classification Scheme 2023. Collection method: clinical testing. Allele origin: germline.
Comment: The p.M761L variant (also known as c.2281A>C), located in coding exon 15 of the POLQ gene, results from an A to C substitution at nucleotide position 2281. The methionine at codon 761 is replaced by leucine, an amino acid with highly similar properties. This amino acid position is conserved. In addition, the in silico prediction for this alteration is inconclusive. Since supporting evidence is limited at this time, the clinical significance of this alteration remains unclear.

NM_199420.4(POLQ):c.2281A>C (p.Met761Leu)

Gene: POLQ (DNA polymerase theta; minus strand). Cytogenetic location: 3q13.33.
Variant type: single nucleotide variant.
Coding change: c.2281A>C on transcript NM_199420.4 (MANE Select); coding-DNA position 2281, A replaced by C.
Protein change: p.Met761Leu; replaces methionine 761 with leucine.
Molecular consequence: missense variant.
Genome position (GRCh38, 1-based): chr3:121,493,719, T>G on the plus strand (A>C on the coding strand, the complement: POLQ is on the minus strand). VCF-style: chr3-121493719-T-G. GRCh37 (hg19) VCF-style: chr3-121212566-T-G.
Other names: short protein forms M761L.
Identifiers: ClinVar variation 1788942 (VCV001788942.2), dbSNP rs1300006644, ClinGen allele CA354108305.